The following is an entry in ClinVar:

ClinVar aggregate classification (germline): Uncertain significance (1 of 4 stars; one submission).

gnomAD v4.1: 1 of 1,613,394 alleles (0.000062%); highest among the groups gnomAD compares: African/African-American, 0.0013%; no homozygotes.

Submission:

Ambry Genetics
Classification: Uncertain significance. Last evaluated: 2025-01-13. Review status: criteria provided, single submitter. Criteria: Ambry Variant Classification Scheme 2023. Collection method: clinical testing. Allele origin: germline.
Comment: The c.958-5T>G intronic variant results from a T to G substitution 5 nucleotides upstream from coding exon 9 in the RAD51B gene. This nucleotide position is highly conserved in available vertebrate species. In silico splice site analysis for this alteration is inconclusive. The evidence for this gene-disease relationship is limited; therefore, the clinical significance of this alteration is unclear.

NM_133510.4(RAD51B):c.958-5T>G

Gene: RAD51B (RAD51 paralog B; plus strand). Cytogenetic location: 14q24.1.
Variant type: single nucleotide variant.
Coding change: c.958-5T>G on transcript NM_133510.4 (MANE Select); 5 bases into the intron before coding-DNA position 958, T replaced by G.
Molecular consequence: intron variant.
Genome position (GRCh38, 1-based): chr14:68,468,167, T>G. VCF-style: chr14-68468167-T-G. GRCh37 (hg19) VCF-style: chr14-68934884-T-G.
Other names: c.958-5T>G (NM_001321818.2, NM_001321809.2, NM_001321821.2 and 6 more transcripts); c.601-5T>G (NM_001321817.2); c.844-5T>G (NM_001321815.1).
Identifiers: ClinVar variation 3786395 (VCV003786395.1).